The following is an entry in ClinVar:

ClinVar aggregate classification (germline): Likely pathogenic. Review status: criteria provided, multiple submitters, no conflicts (2 of 4 stars). 2 submissions from 2 submitters: Likely pathogenic (2). Last evaluated 2018-06-02.

Conditions:
Spondyloepiphyseal dysplasia, Kimberley type. Identifiers: Orphanet 93283, MedGen C1842149, MONDO:0012019, OMIM 608361.
Short stature and advanced bone age, with or without early-onset osteoarthritis and/or osteochondritis dissecans (SSOAOD). Identifiers: Orphanet 251262, MedGen C3665488, MONDO:0100462, OMIM 165800.

Submissions (2):

Labcorp Genetics (formerly Invitae), Labcorp
Classification: Likely pathogenic. Last evaluated: 2018-06-02. Review status: criteria provided, single submitter. Criteria: Invitae Variant Classification Sherloc (09022015). Collection method: clinical testing. Allele origin: germline.
Comment: In summary, the currently available evidence indicates that the variant is pathogenic, but additional data are needed to prove that conclusively. Therefore, this variant has been classified as Likely Pathogenic. Donor and acceptor splice site variants typically lead to a loss of protein function (PMID: 16199547), and loss-of-function variants in ACAN are known to be pathogenic (PMID: 16080123, 24762113). Algorithms developed to predict the effect of sequence changes on RNA splicing suggest that this variant may disrupt the consensus splice site, but this prediction has not been confirmed by published transcriptional studies. This variant has not been reported in the literature in individuals with ACAN-related disease. This variant is not present in population databases (ExAC no frequency). This sequence change affects an acceptor splice site in intron 9 of the ACAN gene. It is expected to disrupt RNA splicing and likely results in an absent or disrupted protein product.

Molecular Genetics Department, Kulakov National Medical Research Center for Obstetrics, Gynecology and Perinatology
Classification: Likely pathogenic for Short stature and advanced bone age, with or without early-onset osteoarthritis and/or osteochondritis dissecans; Spondyloepiphyseal dysplasia, Kimberley type. Review status: criteria provided, single submitter. Criteria: ACMG Guidelines, 2015. Collection method: clinical testing. Allele origin: germline. Affected: yes. Observed: 1 variant allele.
Comment: A previously undescribed heterozygous nucleotide variant creates an alteration of the canonical splice site c.1733-2A>G in the ACAN gene. Heterozygous variants are reported in patients with short stature and advanced bone age, with or without early-onset osteoarthritis and/or osteochondritis dissecans, 165800; ?Spondyloepiphyseal dysplasia, kimberley type, 608361. Another variant affecting the same splice site (c.1733‐1G>A) has been reported in two related patients with idiopathic short stature [Liang et al., 2020, PMID: 33471655]. The variant is not present in population database (gnomAD no frequency). In summary, the currently available evidence indicates that the variant is pathogenic, but additional data are needed to prove that conclusively. Therefore, this variant has been classified as likely pathogenic.

Literature cited by the submitters: PubMed 16199547 (cited by Labcorp Genetics (formerly Invitae), Labcorp); PubMed 16080123 (cited by Labcorp Genetics (formerly Invitae), Labcorp); PubMed 24762113 (cited by Labcorp Genetics (formerly Invitae), Labcorp); PubMed 33471655 (cited by Molecular Genetics Department, Kulakov National Medical Research Center for Obstetrics, Gynecology and Perinatology).

NM_001369268.1(ACAN):c.1733-2A>G

Gene: ACAN (aggrecan; plus strand). Cytogenetic location: 15q26.1.
Variant type: single nucleotide variant.
Coding change: c.1733-2A>G on transcript NM_001369268.1 (MANE Select); the canonical splice acceptor site of the intron before coding-DNA position 1733, A replaced by G.
Molecular consequence: splice acceptor variant.
Genome position (GRCh38, 1-based): chr15:88,849,436, A>G. VCF-style: chr15-88849436-A-G. GRCh37 (hg19) VCF-style: chr15-89392667-A-G.
Other names: c.1733-2A>G (NM_013227.4, NM_001411097.1, NM_001411096.1 and 1 more transcripts).
Identifiers: ClinVar variation 1068416 (VCV001068416.8), dbSNP rs1896876172, ClinGen allele CA393711144.